The following is an entry in ClinVar:

NM_000784.4(CYP27A1):c.1172A>T (p.Lys391Met)

Gene: CYP27A1 (cytochrome P450 family 27 subfamily A member 1; plus strand). Cytogenetic location: 2q35.
Variant type: single nucleotide variant.
Coding change: c.1172A>T on transcript NM_000784.4 (MANE Select); coding-DNA position 1172, A replaced by T.
Protein change: p.Lys391Met; replaces lysine 391 with methionine.
Molecular consequence: missense variant.
Genome position (GRCh38, 1-based): chr2:218,814,175, A>T. VCF-style: chr2-218814175-A-T. GRCh37 (hg19) VCF-style: chr2-219678898-A-T.
Other names: short protein forms K391M.
Identifiers: ClinVar variation 4874709 (VCV004874709.2).

ClinVar aggregate classification (germline): Uncertain significance (1 of 4 stars; one submission).

Submission:

CeGaT Center for Human Genetics Tuebingen
Classification: Uncertain significance. Last evaluated: 2026-04-01. Review status: criteria provided, single submitter. Criteria: CeGaT Center For Human Genetics Tuebingen Variant Classification Criteria Version 2. Collection method: clinical testing. Allele origin: germline. Affected: yes. Observed: 1 variant allele.
Comment: CYP27A1: PM2